The following is an entry in ClinVar:

ClinVar aggregate classification (germline): Likely pathogenic (1 of 4 stars; one submission).

Conditions:
Neurofibromatosis, type 1 (NF1). Also called: VON RECKLINGHAUSEN DISEASE; NEUROFIBROMATOSIS, TYPE I, SOMATIC; Peripheral type neurofibromatosis; Neurofibromatosis, type I. Identifiers: Orphanet 636, MedGen C0027831, MONDO:0018975, OMIM 162200. Disease mechanism: loss of function.

Submission:

Dasa
Classification: Likely pathogenic for neurofibromatosis type 1. Last evaluated: 2025-11-04. Review status: criteria provided, single submitter. Criteria: DASA Assertion Criteria. Collection method: clinical testing. Allele origin: germline.
Comment: NM_001042492.3(NF1):c.4037del (p.Phe1346Serfs*32) is a frameshift variant in NF1 predicted to alter the reading frame and introduce a premature termination codon and is predicted to result in an absent or altered protein product. Loss of function is an established disease mechanism for NF1 (PMID: 1757093; PMID: 1302608; PMID: 34427956). Also, this variant is absent from population databases. Based on the currently available evidence, this variant is classified as likely pathogenic.

Literature cited by the submitters: PubMed 1757093; PubMed 1302608; PubMed 34427956.

NM_001042492.3(NF1):c.4037del (p.Phe1346fs)

Gene: NF1 (neurofibromin 1; plus strand). Cytogenetic location: 17q11.2.
Variant type: Deletion.
Coding change: c.4037del on transcript NM_001042492.3 (MANE Select); coding-DNA position 4037, one base deleted (T; older notation c.4037delT).
Protein change: p.Phe1346fs; shifts the reading frame from phenylalanine 1346.
Molecular consequence: frameshift variant.
Genome position (GRCh38, 1-based): chr17:31,249,046, T deleted; the last of 2 consecutive T bases (chr17:31,249,045-31,249,046); deleting either gives the same sequence. VCF-style (leftmost placement, unchanged base first): chr17-31249044-GT-G. GRCh37 (hg19) VCF-style: chr17-29576062-GT-G.
Other names: c.4037del, p.Phe1346fs (NM_000267.4); short protein forms F1346fs.
Identifiers: ClinVar variation 4880629 (VCV004880629.2).